The following is an entry in ClinVar:

NM_016507.4(CDK12):c.973A>T (p.Ser325Cys)

Genes: CDK12 (cyclin dependent kinase 12; plus strand), LOC126862553 (CDK7 strongly-dependent group 2 enhancer GRCh37_chr17:37618166-37619365; plus strand). Cytogenetic location: 17q12.
Variant type: single nucleotide variant.
Coding change: c.973A>T on transcript NM_016507.4 (MANE Select); coding-DNA position 973, A replaced by T.
Protein change: p.Ser325Cys; replaces serine 325 with cysteine.
Molecular consequence: missense variant.
Genome position (GRCh38, 1-based): chr17:39,463,044, A>T. VCF-style: chr17-39463044-A-T. GRCh37 (hg19) VCF-style: chr17-37619297-A-T.
Other names: c.973A>T, p.Ser325Cys (NM_015083.4); short protein forms S325C.
Identifiers: ClinVar variation 4868567 (VCV004868567.1).
Genomic context (GRCh38, chr17:39,463,044, plus strand): 5'-TATAGCAGGAGACGGTCGTCCAGCTACGAAAGAAGTGGCTCTTACAGCGGGCGATCGCCC[A>T]GTCCCTATGGTCGAAGGCGGTCCAGCAGCCCTTTCCTGAGCAAGCGGTCTCTGAGTCGGA-3'
Protein context (NP_057591.2, residues 315-335): RSGSYSGRSP[Ser325Cys]PYGRRRSSSP

ClinVar aggregate classification (germline): Uncertain significance (1 of 4 stars; one submission).

Submission:

Ambry Genetics
Classification: Uncertain significance. Last evaluated: 2026-05-30. Review status: criteria provided, single submitter. Criteria: Ambry Variant Classification Scheme 2023. Collection method: clinical testing. Allele origin: germline.
Comment: The p.S325C variant (also known as c.973A>T), located in coding exon 1 of the CDK12 gene, results from an A to T substitution at nucleotide position 973. The serine at codon 325 is replaced by cysteine, an amino acid with dissimilar properties. This amino acid position is conserved. In addition, the in silico prediction for this alteration is inconclusive. Based on the available evidence, the clinical significance of this variant remains unclear.